The following is an entry in ClinVar:

ClinVar aggregate classification (germline): Likely pathogenic. Review status: criteria provided, multiple submitters, no conflicts (2 of 4 stars). 2 submissions from 2 submitters: Likely pathogenic (2). Last evaluated 2022-09-27.

Conditions:
Short stature due to primary acid-labile subunit deficiency. Also called: Acid-labile subunit deficiency; Acid-labile subunit, deficiency of. Identifiers: Orphanet 140941, MedGen C3900122, MONDO:0014420, OMIM 615961.

Allele frequency attached by ClinVar (database versions not stated): gnomAD 0.00002; gnomAD exomes 0.00003 and 0.00006; ExAC 0.00012; TOPMed 0.00013; 1000 Genomes Project 0.00020; 1000 Genomes Project 30x 0.00031.

Submissions (2):

Revvity Omics, Revvity
Classification: Likely pathogenic for Short stature due to primary acid-labile subunit deficiency. Last evaluated: 2022-09-27. Review status: criteria provided, single submitter. Criteria: ACMG Guidelines, 2015. Collection method: clinical testing. Allele origin: germline.

Illumina Laboratory Services, Illumina
Classification: Likely pathogenic for Short stature due to primary acid-labile subunit deficiency. Last evaluated: 2017-04-28. Review status: criteria provided, single submitter. Criteria: ICSL Variant Classification Criteria 09 May 2019. Collection method: clinical testing. Allele origin: germline.
Comment: Across three studies, the IGFALS c.941A>G (p.Asn314Ser) variant, also referred to as c.827A>G (p.Asn276Ser), was reported in a total of four patients with acid-labile subunit (ALS) deficiency or short stature, including two homozygotes and two compound heterozygotes. The variant was also identified in a heterozygous state in three unaffected family members (Heath et al. 2008; Fafanova-Gambetti et al. 2010; Domene et al. 2013). The variant was absent from 200 control chromosomes but found in a heterozygous state in one of 188 normal-height children. The variant is reported at a frequency of 0.00012 in the total population of the Exome Aggregation Consortium. The Asn314 residue is highly conserved. Structural modeling by David et al. (2012) suggests the p.Asn314Ser variant may cause the loss of a hydrogen bond that normally stabilizes the IGFALS protein core structure. Martucci et al. (2016) expressed the p.Asn314Ser variant protein in CHO cells and found a complete lack of protein expression in cell lysates and media. Based on the evidence, the p.Asn314Ser variant is classified as likely pathogenic for acid-labile subunit deficiency. This variant was observed by ICSL as part of a predisposition screen in an ostensibly healthy population.

Literature cited by the submitters: PubMed 27018247 (cited by Illumina Laboratory Services, Illumina); PubMed 20591980 (cited by Illumina Laboratory Services, Illumina); PubMed 24335034 (cited by Illumina Laboratory Services, Illumina); PubMed 18303074 (cited by Illumina Laboratory Services, Illumina); PubMed 22991227 (cited by Illumina Laboratory Services, Illumina).

NM_004970.3(IGFALS):c.827A>G (p.Asn276Ser)

Gene: IGFALS (insulin like growth factor binding protein acid labile subunit; minus strand). Cytogenetic location: 16p13.3.
Variant type: single nucleotide variant.
Coding change: c.827A>G on transcript NM_004970.3 (MANE Select); coding-DNA position 827, A replaced by G.
Protein change: p.Asn276Ser; replaces asparagine 276 with serine.
Molecular consequence: missense variant. On other transcripts: non-coding transcript variant (1).
Genome position (GRCh38, 1-based): chr16:1,791,591, T>C on the plus strand (A>G on the coding strand, the complement: IGFALS is on the minus strand). VCF-style: chr16-1791591-T-C. GRCh37 (hg19) VCF-style: chr16-1841592-T-C.
Other names: c.941A>G, p.Asn314Ser (NM_001146006.2); short protein forms N276S, N314S.
Identifiers: ClinVar variation 318251 (VCV000318251.7), dbSNP rs551618643, ClinGen allele CA7820480.
Genomic context (GRCh38, chr16:1,791,591, plus strand): 5'-CGCAGCACACGCAGGCCCAGCAGACCGGGGAACGTGTCCTCCAGGAGGCCAGCCACGCGG[T>C]TGTGGGACAGGTCCAGCCATCGCAGCGCCTTCAGGCCCAGGAAGGCGCCCGGGGCCACGG-3'
Protein context (NP_004961.1, residues 266-286): KALRWLDLSH[Asn276Ser]RVAGLLEDTF